The following is an entry in ClinVar:

NM_206933.4(USH2A):c.9919T>A (p.Cys3307Ser)

Gene: USH2A (usherin; minus strand). Cytogenetic location: 1q41.
Variant type: single nucleotide variant.
Coding change: c.9919T>A on transcript NM_206933.4 (MANE Select); coding-DNA position 9919, T replaced by A.
Protein change: p.Cys3307Ser; replaces cysteine 3307 with serine.
Molecular consequence: missense variant.
Genome position (GRCh38, 1-based): chr1:215,798,946, A>T on the plus strand (T>A on the coding strand, the complement: USH2A is on the minus strand). VCF-style: chr1-215798946-A-T. GRCh37 (hg19) VCF-style: chr1-215972288-A-T.
Other names: short protein forms C3307S.
Identifiers: ClinVar variation 548444 (VCV000548444.3), dbSNP rs1553263572, ClinGen allele CA344848434.
Genomic context (GRCh38, chr1:215,798,946, plus strand): 5'-AGGTAGACCTGGGCCCCTTACCTGGAAGGCGATTGTACACCACTCCTTCTTCTCCACCAC[A>T]ACACTCTAAATCGTTGCTCACAATCTGTCTGCCACAGCACTTCTGGCCATGGCCATCATG-3'
Protein context (NP_996816.3, residues 3297-3317): RQIVSNDLEC[Cys3307Ser]GGEEGVVYNR

ClinVar aggregate classification (germline): Likely pathogenic (1 of 4 stars; one submission).

Conditions:
Retinitis pigmentosa 39 (RP39). Identifiers: Orphanet 791, MedGen C3151138, MONDO:0013436, OMIM 613809.

Submission:

Servicio Extremeño de Salud, Hospital de Mérida
Classification: Likely pathogenic for Retinitis pigmentosa 39. Last evaluated: 2018-03-06. Review status: criteria provided, single submitter. Criteria: ACMG Guidelines, 2015. Collection method: clinical testing. Allele origin: germline. Inheritance: Autosomal recessive inheritance. Affected: yes. Observed: 2 variant alleles, 2 compound heterozygotes. Clinical features observed: Rod-cone dystrophy (HP:0000510).
Comment: Two members of the same family with retinitis pigmentosa and no known hearing loss, has this mutation as heterozygous compound with the known pathogenic mutation c.2299delG in USH2A gene. Segregation study in two other members of the family provided that each one had only one of the 2 mutations in heterozygosity, being healthy carriers.